The following is an entry in ClinVar:

NM_001972.4(ELANE):c.373G>A (p.Gly125Arg)

Gene: ELANE (elastase, neutrophil expressed; plus strand). Cytogenetic location: 19p13.3.
Variant type: single nucleotide variant.
Coding change: c.373G>A on transcript NM_001972.4 (MANE Select); coding-DNA position 373, G replaced by A.
Protein change: p.Gly125Arg; replaces glycine 125 with arginine.
Molecular consequence: missense variant.
Genome position (GRCh38, 1-based): chr19:855,570, G>A. VCF-style: chr19-855570-G-A. GRCh37 (hg19) VCF-style: chr19-855570-G-A.
Other names: c.373G>A (NM_001972.3); short protein forms G125R.
Identifiers: ClinVar variation 810991 (VCV000810991.17), dbSNP rs377698556, ClinGen allele CA9026039.
Genomic context (GRCh38, chr19:855,570, plus strand): 5'-GGTCATCATCACTGCCCCGTGTGACGCGCTGACGATCTGTCCCCACCGCCACAGCTCAAC[G>A]GGTCGGCCACCATCAACGCCAACGTGCAGGTGGCCCAGCTGCCGGCTCAGGGACGCCGCC-3'
Protein context (NP_001963.1, residues 115-135): LNDIVILQLN[Gly125Arg]SATINANVQV

ClinVar aggregate classification (germline): Conflicting classifications of pathogenicity. Review status: criteria provided, conflicting classifications (1 of 4 stars). 4 submissions from 4 submitters: Uncertain significance (2); Likely benign (1). 1 of the submissions does not count toward it. Last evaluated 2026-01-12.

Conditions:
ELANE-related disorder. Also called: ELANE-related condition.
Cyclical neutropenia. Also called: Cyclic Neutropenia; Cyclic hematopoiesis. Identifiers: Orphanet 2686, MedGen C0221023, MONDO:0008090, OMIM 162800, HP:0040289. Disease mechanism: loss of function.
Neutropenia, severe congenital, 1, autosomal dominant. Identifiers: MedGen C1859966, MONDO:0042490, OMIM 202700.

Allele frequency attached by ClinVar (database versions not stated): ExAC 0.00001; gnomAD exomes 0.00001 and 0.00004; TOPMed 0.00002; gnomAD 0.00005; ESP Exome Variant Server 0.00008.
gnomAD v4.1: 66 of 1,599,208 alleles (0.0041%); highest among the groups gnomAD compares: Middle Eastern, 0.033%; no homozygotes.

Submissions (4):

Labcorp Genetics (formerly Invitae), Labcorp
Classification: Uncertain significance for Neutropenia, severe congenital, 1, autosomal dominant; Cyclical neutropenia. Last evaluated: 2026-01-12. Review status: criteria provided, single submitter. Criteria: Invitae Variant Classification Sherloc (09022015). Collection method: clinical testing. Allele origin: germline.
Comment: This sequence change replaces glycine, which is neutral and non-polar, with arginine, which is basic and polar, at codon 125 of the ELANE protein (p.Gly125Arg). This variant is present in population databases (rs377698556, gnomAD 0.003%). This variant has not been reported in the literature in individuals affected with ELANE-related conditions. ClinVar contains an entry for this variant (Variation ID: 810991). Invitae Evidence Modeling of protein sequence and biophysical properties (such as structural, functional, and spatial information, amino acid conservation, physicochemical variation, residue mobility, and thermodynamic stability) indicates that this missense variant is not expected to disrupt ELANE protein function with a negative predictive value of 95%. In summary, the available evidence is currently insufficient to determine the role of this variant in disease. Therefore, it has been classified as a Variant of Uncertain Significance.

ARUP Laboratories, Molecular Genetics and Genomics, ARUP Laboratories
Classification: Uncertain significance. Last evaluated: 2025-01-23. Review status: criteria provided, single submitter. Criteria: ARUP Molecular Germline Variant Investigation Process 2024. Collection method: clinical testing. Allele origin: germline.
Comment: The ELANE c.373G>A; p.Gly125Arg variant (rs377698556, ClinVar Variation ID: 810991) is reported in the literature in one unaffected individual (Germeshausen 2013). This variant is only observed on two alleles in the Genome Aggregation Database (v2.1.1), indicating it is not a common polymorphism. Additionally, another variant at this codon (c.373G>T; p.Gly125Trp) has been reported in an individual with cyclic neutropenia (Boo 2015). Computational analyses are uncertain whether the c.373G>A; p.Gly125Arg variant is neutral or deleterious (REVEL: 0.191). Due to limited information, the clinical significance of this variant is uncertain. References: Boo YJ et al. Cyclic neutropenia with a novel gene mutation presenting with a necrotizing soft tissue infection and severe sepsis: case report. BMC Pediatr. 2015 Apr 2;15:34. PMID: 25880377. Germeshausen M et al. The spectrum of ELANE mutations and their implications in severe congenital and cyclic neutropenia. Hum Mutat. 2013 Jun;34(6):905-14. PMID: 23463630.

Blueprint Genetics
Classification: Likely benign. Last evaluated: 2024-09-20. Review status: criteria provided, single submitter. Criteria: ACMG Guidelines, 2015. Collection method: clinical testing. Allele origin: germline.

PreventionGenetics, part of Exact Sciences
Classification: Uncertain significance for ELANE-related condition. Last evaluated: 2024-01-04. Review status: no assertion criteria provided. Collection method: clinical testing. Allele origin: germline. Not counted in ClinVar's aggregate classification.
Comment: The ELANE c.373G>A variant is predicted to result in the amino acid substitution p.Gly125Arg. This variant has been observed in an individual from a healthy donor cohort (Table 3, Germeshausen et al. 2013. PubMed ID: 23463630). An alternative nucleotide change affecting the same amino acid (c.373G > T, p.Gly125Trp) has been reported as maternally inherited in an individual with cyclic neutropenia (Boo et al. 2015. PubMed ID: 25880377). The c.373G>A (p.Gly125Arg) variant is reported in 0.0019% of alleles in individuals of European (Non-Finnish) descent in gnomAD. At this time, the clinical significance of this variant is uncertain due to the absence of conclusive functional and genetic evidence.